The following is an entry in ClinVar:

ClinVar aggregate classification (germline): Uncertain significance (1 of 4 stars; one submission).

Conditions:
Carnitine palmitoyltransferase II deficiency. Also called: Carnitine Palmitoyltransferase 2 Deficiency. Identifiers: Orphanet 157, MedGen C0342790, MONDO:0015515.

Submission:

Labcorp Genetics (formerly Invitae), Labcorp
Classification: Uncertain significance for Carnitine palmitoyltransferase II deficiency. Last evaluated: 2018-01-26. Review status: criteria provided, single submitter. Criteria: Invitae Variant Classification Sherloc (09022015). Collection method: clinical testing. Allele origin: germline.
Comment: In summary, the available evidence is currently insufficient to determine the role of this variant in disease. Therefore, it has been classified as a Variant of Uncertain Significance. Algorithms developed to predict the effect of missense changes on protein structure and function output the following: SIFT: "Tolerated"; PolyPhen-2: "Benign"; Align-GVGD: "Class C0". The glutamic acid amino acid residue is found in multiple mammalian species, suggesting that this missense change does not adversely affect protein function. These predictions have not been confirmed by published functional studies and their clinical significance is uncertain. This variant has not been reported in the literature in individuals with CPT2-related disease. While this variant is not present in population databases, the frequency information is unreliable, as metrics indicate poor data quality at this position in the ExAC database. This sequence change replaces glycine with glutamic acid at codon 30 of the CPT2 protein (p.Gly30Glu). The glycine residue is weakly conserved and there is a moderate physicochemical difference between glycine and glutamic acid.

NM_000098.3(CPT2):c.89G>A (p.Gly30Glu)

Genes: CPT2 (carnitine palmitoyltransferase 2; plus strand), LOC129930561 (ATAC-STARR-seq lymphoblastoid silent region 902; plus strand). Cytogenetic location: 1p32.3.
Variant type: single nucleotide variant.
Coding change: c.89G>A on transcript NM_000098.3 (MANE Select); coding-DNA position 89, G replaced by A.
Protein change: p.Gly30Glu; replaces glycine 30 with glutamic acid.
Molecular consequence: missense variant.
Genome position (GRCh38, 1-based): chr1:53,197,032, G>A. VCF-style: chr1-53197032-G-A. GRCh37 (hg19) VCF-style: chr1-53662704-G-A.
Other names: c.89G>A, p.Gly30Glu (NM_001330589.2); short protein forms G30E.
Identifiers: ClinVar variation 1015095 (VCV001015095.9), dbSNP rs1572378353, ClinGen allele CA340388716.
Genomic context (GRCh38, chr1:53,197,032, plus strand): 5'-GGCCCCGGGGCCCCGCGGTTGGTCCGGGAGCCCCCAGTCGGCCCCTCAGCGCCGGCTCCG[G>A]GCCCGGCCAGTACCTGCAGCGCAGCATCGTGCCCACCATGCACTACCAGGACAGCCTGCC-3'
Protein context (NP_000089.1, residues 20-40): APSRPLSAGS[Gly30Glu]PGQYLQRSIV